The following is an entry in ClinVar:

ClinVar aggregate classification (germline): Benign/Likely benign. Review status: criteria provided, multiple submitters, no conflicts (2 of 4 stars). 4 submissions from 4 submitters: Benign (2); Likely benign (1). 1 of the submissions does not count toward it. Last evaluated 2026-01-26.

Conditions:
FAN1-related disorder. Also called: FAN1-related condition.

Allele frequency attached by ClinVar (database versions not stated): 1000 Genomes Project 30x 0.00016; ESP Exome Variant Server 0.00131; 1000 Genomes Project 0.00020.
gnomAD v4.1: 3,521 of 1,613,986 alleles (0.22%); highest among the groups gnomAD compares: Non-Finnish European, 0.27%; 9 homozygotes.

Submissions (4):

Dasa
Classification: Benign. Last evaluated: 2026-01-26. Review status: criteria provided, single submitter. Criteria: DASA Assertion Criteria. Collection method: clinical testing. Allele origin: germline.
Comment: NM_014967.5(FAN1):c.434G>A (p.Arg145His) is a missense variant that results in the substitution of arginine with histidine. Population frequency is inconsistent with a disease-causing role for this variant, and observations in unaffected individuals support a benign interpretation. Computational prediction algorithms are consistent with a benign effect. Therefore, based on the currently available evidence, this variant is classified as benign.

Mayo Clinic Laboratories, Mayo Clinic
Classification: Likely benign. Last evaluated: 2025-12-07. Review status: criteria provided, single submitter. Criteria: ACMG Guidelines, 2015. Collection method: clinical testing. Allele origin: germline. Observed: 1 variant allele.
Comment: BS1, BP4_moderate

Labcorp Genetics (formerly Invitae), Labcorp
Classification: Benign. Last evaluated: 2025-10-26. Review status: criteria provided, single submitter. Criteria: Invitae Variant Classification Sherloc (09022015). Collection method: clinical testing. Allele origin: germline.

PreventionGenetics, part of Exact Sciences
Classification: Likely benign for FAN1-related condition. Last evaluated: 2022-02-10. Review status: no assertion criteria provided. Collection method: clinical testing. Allele origin: germline. Not counted in ClinVar's aggregate classification.
Comment: This variant is classified as likely benign based on ACMG/AMP sequence variant interpretation guidelines (Richards et al. 2015 PMID: 25741868, with internal and published modifications).

NM_014967.5(FAN1):c.434G>A (p.Arg145His)

Gene: FAN1 (FANCD2 and FANCI associated nuclease 1; plus strand). Cytogenetic location: 15q13.3.
Variant type: single nucleotide variant.
Coding change: c.434G>A on transcript NM_014967.5 (MANE Select); coding-DNA position 434, G replaced by A.
Protein change: p.Arg145His; replaces arginine 145 with histidine.
Molecular consequence: missense variant.
Genome position (GRCh38, 1-based): chr15:30,905,097, G>A. VCF-style: chr15-30905097-G-A. GRCh37 (hg19) VCF-style: chr15-31197300-G-A.
Other names: p.Arg145His; c.434G>A (NM_014967.4); c.434G>A, p.Arg145His (NM_001146094.2, NM_001146095.1, NM_001146096.2); short protein forms R145H.
Identifiers: ClinVar variation 2045470 (VCV002045470.9), dbSNP rs146408181, ClinGen allele CA7450063.
Genomic context (GRCh38, chr15:30,905,097, plus strand): 5'-TCAGTCCCTACTTTAAAAGTAATGATGTGGTGTGCAAAAATCAAGATGAGCTGAGAAATC[G>A]TAGTGTGAAAGTCATTTGTTTGGGAAGCCTAGCATCTAAATTGTCCAGAAAATACGTAAA-3'
Protein context (NP_055782.3, residues 135-155): VCKNQDELRN[Arg145His]SVKVICLGSL